The following is an entry in ClinVar:

NM_003482.4(KMT2D):c.5269C>T (p.Arg1757Ter)

Gene: KMT2D (lysine methyltransferase 2D; minus strand). Cytogenetic location: 12q13.12.
Variant type: single nucleotide variant.
Coding change: c.5269C>T on transcript NM_003482.4 (MANE Select); coding-DNA position 5269, C replaced by T.
Protein change: p.Arg1757Ter; replaces arginine 1757 with a stop codon.
Molecular consequence: nonsense.
Genome position (GRCh38, 1-based): chr12:49,043,918, G>A on the plus strand (C>T on the coding strand, the complement: KMT2D is on the minus strand). VCF-style: chr12-49043918-G-A. GRCh37 (hg19) VCF-style: chr12-49437701-G-A.
Other names: short protein forms R1757*.
Identifiers: ClinVar variation 435669 (VCV000435669.15), dbSNP rs1555194045, ClinGen allele CA384634832.

ClinVar aggregate classification (germline): Pathogenic. Review status: criteria provided, multiple submitters, no conflicts (2 of 4 stars). 5 submissions from 5 submitters: Pathogenic (5). Last evaluated 2025-05-23.

Conditions:
Inborn genetic diseases. Identifiers: MedGen C0950123, MeSH D030342.
KMT2D-related disorder. Also called: KMT2D-Related Disorders.
Kabuki syndrome 1 (KABUK1). Also called: KMT2D-Related Kabuki Syndrome. Identifiers: Orphanet 2322, MedGen CN030661, MONDO:0007843, OMIM 147920.

Submissions (5):

GeneDx
Classification: Pathogenic. Last evaluated: 2025-05-23. Review status: criteria provided, single submitter. Criteria: GeneDx Variant Classification Process June 2021. Collection method: clinical testing. Allele origin: germline. Affected: yes.
Comment: Nonsense variant predicted to result in protein truncation or nonsense mediated decay in a gene for which loss of function is a known mechanism of disease; Not observed at significant frequency in large population cohorts (gnomAD); This variant is associated with the following publications: (PMID: 28991257, 26411453, 22434255, 25142838, 30107592, 32170002, 32368696, 33767182, 33084842, 36625521, 31941532, 34539730, 23913813, 37908464)

PreventionGenetics, part of Exact Sciences
Classification: Pathogenic for KMT2D-related condition. Last evaluated: 2023-08-03. Review status: criteria provided, single submitter. Criteria: ACMG Guidelines, 2015. Collection method: clinical testing. Allele origin: germline.
Comment: The KMT2D c.5269C>T variant is predicted to result in premature protein termination (p.Arg1757*). This variant was reported de novo in multiple individuals with Kabuki syndrome (See for example, Table 1, Miyake et al. 2013. PubMed ID: 23913813; Table 2, Lin et al. 2014. PubMed ID: 25142838; Table 4, Martinez-Granero et al. 2021. PubMed ID: 33767182). This variant has not been reported in a large population database, indicating this variant is rare. Nonsense variants in KMT2D are expected to be pathogenic. This variant is interpreted as pathogenic.

Beijing Key Laboratry for Genetics of Birth Defects, Beijing Children's Hospital
Classification: Pathogenic for Kabuki syndrome 1. Last evaluated: 2020-02-28. Review status: criteria provided, single submitter. Criteria: ACMG Guidelines, 2015. Collection method: clinical testing. Allele origin: de novo. Affected: yes. Observed: 1 variant allele.

Ambry Genetics
Classification: Pathogenic for Inborn genetic diseases. Last evaluated: 2018-01-02. Review status: criteria provided, single submitter. Criteria: Ambry exome assertion method (8-5-2015). Collection method: clinical testing. Allele origin: germline. Affected: yes. Observed: 2 variant alleles.

Genetic Services Laboratory, University of Chicago
Classification: Pathogenic for Kabuki syndrome 1. Last evaluated: 2016-09-28. Review status: criteria provided, single submitter. Criteria: ACMG Guidelines, 2015. Collection method: clinical testing. Allele origin: germline. Affected: yes.

Literature cited by the submitters: PubMed 22434255 (cited by Ambry Genetics); PubMed 23913813 (cited by Ambry Genetics); PubMed 25142838 (cited by Ambry Genetics).